The following is an entry in ClinVar:

ClinVar aggregate classification (germline): Uncertain significance. Review status: criteria provided, multiple submitters, no conflicts (2 of 4 stars). 3 submissions from 3 submitters: Uncertain significance (3). Last evaluated 2025-12-16.

Conditions:
Seizures, benign familial infantile, 3 (BFIS3). Also called: CONVULSIONS, BENIGN FAMILIAL INFANTILE, 3; Familial neonatal seizures. Identifiers: Orphanet 140927, Orphanet 306, MedGen C1843140, MONDO:0011904, OMIM 607745.
Developmental and epileptic encephalopathy, 11 (DEE11). Also called: Early infantile epileptic encephalopathy 11. Identifiers: Orphanet 1934, MedGen C3150987, MONDO:0013388, OMIM 613721.
Inborn genetic diseases. Identifiers: MedGen C0950123, MeSH D030342.

gnomAD v4.1: 1 of 1,613,870 alleles (0.000062%); highest among the groups gnomAD compares: Non-Finnish European, 0.000085%; no homozygotes.

Submissions (3):

Labcorp Genetics (formerly Invitae), Labcorp
Classification: Uncertain significance for Seizures, benign familial infantile, 3; Developmental and epileptic encephalopathy, 11. Last evaluated: 2025-12-16. Review status: criteria provided, single submitter. Criteria: Invitae Variant Classification Sherloc (09022015). Collection method: clinical testing. Allele origin: germline.
Comment: This sequence change replaces asparagine, which is neutral and polar, with serine, which is neutral and polar, at codon 1748 of the SCN2A protein (p.Asn1748Ser). This variant is not present in population databases (gnomAD no frequency). This variant has not been reported in the literature in individuals affected with SCN2A-related conditions. ClinVar contains an entry for this variant (Variation ID: 4056925). Invitae Evidence Modeling of protein sequence and biophysical properties (such as structural, functional, and spatial information, amino acid conservation, physicochemical variation, residue mobility, and thermodynamic stability) has been performed for this missense variant. However, the output from this modeling did not meet the statistical confidence thresholds required to predict the impact of this variant on SCN2A protein function. In summary, the available evidence is currently insufficient to determine the role of this variant in disease. Therefore, it has been classified as a Variant of Uncertain Significance.

Ambry Genetics
Classification: Uncertain significance for Inborn genetic diseases. Last evaluated: 2025-08-26. Review status: criteria provided, single submitter. Criteria: Ambry Variant Classification Scheme 2023. Collection method: clinical testing. Allele origin: germline.

GeneDx
Classification: Uncertain significance. Last evaluated: 2025-01-08. Review status: criteria provided, single submitter. Criteria: GeneDx Variant Classification Process June 2021. Collection method: clinical testing. Allele origin: germline. Affected: yes.
Comment: Not observed at significant frequency in large population cohorts (gnomAD); In silico analysis supports that this missense variant has a deleterious effect on protein structure/function; Has not been previously published as pathogenic or benign to our knowledge; This substitution is predicted to be within the extracellular loop between the S5 and S6 transmembrane segments of the fourth homologous domain

NM_001040142.2(SCN2A):c.5243A>G (p.Asn1748Ser)

Gene: SCN2A (sodium voltage-gated channel alpha subunit 2; plus strand). Cytogenetic location: 2q24.3.
Variant type: single nucleotide variant.
Coding change: c.5243A>G on transcript NM_001040142.2 (MANE Select); coding-DNA position 5243, A replaced by G.
Protein change: p.Asn1748Ser; replaces asparagine 1748 with serine.
Molecular consequence: missense variant.
Genome position (GRCh38, 1-based): chr2:165,389,049, A>G. VCF-style: chr2-165389049-A-G. GRCh37 (hg19) VCF-style: chr2-166245559-A-G.
Other names: c.5243A>G, p.Asn1748Ser (NM_001040143.2, NM_001371246.1, NM_001371247.1 and 1 more transcripts); short protein forms N1748S.
Identifiers: ClinVar variation 4056925 (VCV004056925.3).
Genomic context (GRCh38, chr2:165,389,049, plus strand): 5'-CTCCAGACTGTGACCCTGACAAAGATCACCCTGGAAGCTCAGTTAAAGGAGACTGTGGGA[A>G]CCCATCTGTTGGGATTTTCTTTTTTGTCAGTTACATCATCATATCCTTCCTGGTTGTGGT-3'
Protein context (NP_001035232.1, residues 1738-1758): PGSSVKGDCG[Asn1748Ser]PSVGIFFFVS